The following is an entry in ClinVar:

ClinVar aggregate classification (germline): Uncertain significance (1 of 4 stars; one submission).

Submission:

GeneDx
Classification: Uncertain significance. Last evaluated: 2024-03-14. Review status: criteria provided, single submitter. Criteria: GeneDx Variant Classification Process June 2021. Collection method: clinical testing. Allele origin: germline. Affected: yes.
Comment: Not observed at significant frequency in large population cohorts (gnomAD); In-frame deletion of 5 amino acids in a non-repeat region; In silico analysis supports a deleterious effect on protein structure/function; Has not been previously published as pathogenic or benign to our knowledge

NM_006160.4(NEUROD2):c.313_327del (p.Gly105_Arg109del)

Gene: NEUROD2 (neuronal differentiation 2; minus strand). Cytogenetic location: 17q12.
Variant type: Deletion.
Coding change: c.313_327del on transcript NM_006160.4 (MANE Select); coding-DNA positions 313 to 327, 15 bases deleted (GGGCCCAAGAAGCGC).
Protein change: p.Gly105_Arg109del.
Genome position (GRCh38, 1-based): chr17:39,606,273-39,606,287, GCGCTTCTTGGGCCC deleted on the plus strand (GGGCCCAAGAAGCGC on the coding strand, the reverse complement: NEUROD2 is on the minus strand); deleting any 15 consecutive bases within chr17:39,606,273-39,606,301 gives the same sequence; the c. name uses the placement nearest the transcript's 3' end. VCF-style (leftmost placement, unchanged base first): chr17-39606272-TGCGCTTCTTGGGCCC-T. GRCh37 (hg19) VCF-style: chr17-37762525-TGCGCTTCTTGGGCCC-T.
Identifiers: ClinVar variation 3371000 (VCV003371000.1).
Genomic context (GRCh38, chr17:39,606,272, plus strand): 5'-CCCGCGCGTTCGCCTTCTGCCGCCGAAGCTTGGAGCGCTCCAAGCGCGCCTTGGTCATCT[TGCGCTTCTTGGGCCC>T]GCGCTTCTTGGGCCGCTCGCCCTCCGCCTCGTCCAGTCCTTCTTCCTCCTCCTCTTCCTC-3'